The following is an entry in ClinVar:

NM_001174147.2(LMX1B):c.175T>C (p.Cys59Arg)

Gene: LMX1B (LIM homeobox transcription factor 1 beta; plus strand). Cytogenetic location: 9q33.3.
Variant type: single nucleotide variant.
Coding change: c.175T>C on transcript NM_001174147.2 (MANE Select); coding-DNA position 175, T replaced by C.
Protein change: p.Cys59Arg; replaces cysteine 59 with arginine.
Molecular consequence: missense variant.
Genome position (GRCh38, 1-based): chr9:126,615,418, T>C. VCF-style: chr9-126615418-T-C. GRCh37 (hg19) VCF-style: chr9-129377697-T-C.
Other names: c.175T>C, p.Cys59Arg (NM_001174146.2, NM_002316.4); c.175T>C (NM_002316.3); short protein forms C59R.
Identifiers: ClinVar variation 2136808 (VCV002136808.6), dbSNP rs2490517671, ClinGen allele CA374909917.
Genomic context (GRCh38, chr9:126,615,418, plus strand): 5'-CGGGCTTTCGCCCTGTGCGCTACAGGCTCCGACTGCCCGCATCCCGCCGTCTGCGAGGGC[T>C]GCCAGCGGCCCATCTCCGACCGCTTCCTGATGCGAGTCAACGAGTCGTCCTGGCACGAGG-3'
Protein context (NP_001167618.1, residues 49-69): DCPHPAVCEG[Cys59Arg]QRPISDRFLM

ClinVar aggregate classification (germline): Pathogenic. Review status: criteria provided, single submitter (1 of 4 stars). 2 submissions from 2 submitters: Pathogenic (1). 1 of the submissions does not count toward it. Last evaluated 2022-10-13.

Conditions:
LMX1B-related disorder. Also called: LMX1B-related condition.

Submissions (2):

Labcorp Genetics (formerly Invitae), Labcorp
Classification: Pathogenic. Last evaluated: 2022-10-13. Review status: criteria provided, single submitter. Criteria: Invitae Variant Classification Sherloc (09022015). Collection method: clinical testing. Allele origin: germline.
Comment: This variant disrupts the p.Cys59 amino acid residue in LMX1B. Other variant(s) that disrupt this residue have been observed in individuals with LMX1B-related conditions (PMID: 10571942, 12215822, 34546508), which suggests that this may be a clinically significant amino acid residue. For these reasons, this variant has been classified as Pathogenic. Advanced modeling of protein sequence and biophysical properties (such as structural, functional, and spatial information, amino acid conservation, physicochemical variation, residue mobility, and thermodynamic stability) performed at Invitae indicates that this missense variant is expected to disrupt LMX1B protein function. This variant is also known as C36R. This missense change has been observed in individual(s) with nail-patella syndrome (PMID: 10571942; Invitae). This variant is not present in population databases (gnomAD no frequency). This sequence change replaces cysteine, which is neutral and slightly polar, with arginine, which is basic and polar, at codon 59 of the LMX1B protein (p.Cys59Arg).

PreventionGenetics, part of Exact Sciences
Classification: Likely pathogenic for LMX1B-related condition. Last evaluated: 2023-10-20. Review status: no assertion criteria provided. Collection method: clinical testing. Allele origin: germline. Not counted in ClinVar's aggregate classification.
Comment: The LMX1B c.175T>C variant is predicted to result in the amino acid substitution p.Cys59Arg. This variant was reported in an individual with nail-patella syndrome (Reported as 106T>C, C36R in Clough et al 1999. PubMed ID: 10571942). A different amino acid change at this position (p.Cys59Ser) has also been reported in an individual with nail-patella syndrome (Reported as 107G>C, C36S in Clough et al 1999. PubMed ID: 10571942). An outside lab has reported this variant as pathogenic in ClinVar. This variant has not been reported in a large population database, indicating this variant is rare. This variant is interpreted as likely pathogenic.

Literature cited by the submitters: PubMed 10571942 (cited by Labcorp Genetics (formerly Invitae), Labcorp); PubMed 12215822 (cited by Labcorp Genetics (formerly Invitae), Labcorp); PubMed 34546508 (cited by Labcorp Genetics (formerly Invitae), Labcorp).